The following is an entry in ClinVar:

ClinVar aggregate classification (germline): Pathogenic (1 of 4 stars; one submission).

Conditions:
Joubert syndrome 14 (JBTS14). Identifiers: MedGen C3280766, MONDO:0013745, OMIM 614424.

Allele frequency attached by ClinVar (database versions not stated): gnomAD 0.00001; TOPMed 0.00001.
gnomAD v4.1: 1 of 1,530,688 alleles (0.000065%); highest among the groups gnomAD compares: Non-Finnish European, 0.000088%; no homozygotes.

Submission:

Labcorp Genetics (formerly Invitae), Labcorp
Classification: Pathogenic for Joubert syndrome 14. Last evaluated: 2022-06-12. Review status: criteria provided, single submitter. Criteria: Invitae Variant Classification Sherloc (09022015). Collection method: clinical testing. Allele origin: germline.
Comment: This variant is not present in population databases (gnomAD no frequency). For these reasons, this variant has been classified as Pathogenic. Algorithms developed to predict the effect of sequence changes on RNA splicing suggest that this variant may create or strengthen a splice site. This variant has not been reported in the literature in individuals affected with TMEM237-related conditions. This sequence change creates a premature translational stop signal (p.Leu93*) in the TMEM237 gene. It is expected to result in an absent or disrupted protein product. Loss-of-function variants in TMEM237 are known to be pathogenic (PMID: 22152675).

Literature cited by the submitters: PubMed 22152675.

NM_001044385.3(TMEM237):c.278T>A (p.Leu93Ter)

Gene: TMEM237 (transmembrane protein 237; minus strand). Cytogenetic location: 2q33.1.
Variant type: single nucleotide variant.
Coding change: c.278T>A on transcript NM_001044385.3 (MANE Select); coding-DNA position 278, T replaced by A.
Protein change: p.Leu93Ter; replaces leucine 93 with a stop codon.
Molecular consequence: nonsense.
Genome position (GRCh38, 1-based): chr2:201,633,428, A>T on the plus strand (T>A on the coding strand, the complement: TMEM237 is on the minus strand). VCF-style: chr2-201633428-A-T. GRCh37 (hg19) VCF-style: chr2-202498151-A-T.
Other names: c.254T>A, p.Leu85Ter (NM_152388.4); short protein forms L85*, L93*.
Identifiers: ClinVar variation 1430872 (VCV001430872.6), dbSNP rs1687223389, ClinGen allele CA350314365.